The following is an entry in ClinVar:

ClinVar aggregate classification (germline): Uncertain significance (1 of 4 stars; one submission).

Submission:

Labcorp Genetics (formerly Invitae), Labcorp
Classification: Uncertain significance. Last evaluated: 2025-06-10. Review status: criteria provided, single submitter. Criteria: Invitae Variant Classification Sherloc (09022015). Collection method: clinical testing. Allele origin: germline.
Comment: This sequence change replaces glutamic acid, which is acidic and polar, with glycine, which is neutral and non-polar, at codon 415 of the POLA1 protein (p.Glu415Gly). This variant is not present in population databases (gnomAD no frequency). This variant has not been reported in the literature in individuals affected with POLA1-related conditions. Invitae Evidence Modeling of protein sequence and biophysical properties (such as structural, functional, and spatial information, amino acid conservation, physicochemical variation, residue mobility, and thermodynamic stability) indicates that this missense variant is not expected to disrupt POLA1 protein function with a negative predictive value of 80%. In summary, the available evidence is currently insufficient to determine the role of this variant in disease. Therefore, it has been classified as a Variant of Uncertain Significance.

NM_001330360.2(POLA1):c.1262A>G (p.Glu421Gly)

Gene: POLA1 (DNA polymerase alpha 1, catalytic subunit; plus strand). Cytogenetic location: Xp22.11.
Variant type: single nucleotide variant.
Coding change: c.1262A>G on transcript NM_001330360.2 (MANE Select); coding-DNA position 1262, A replaced by G.
Protein change: p.Glu421Gly; replaces glutamic acid 421 with glycine.
Molecular consequence: missense variant. On other transcripts: non-coding transcript variant (2).
Genome position (GRCh38, 1-based): chrX:24,724,396, A>G. VCF-style: chrX-24724396-A-G. GRCh37 (hg19) VCF-style: chrX-24742513-A-G.
Other names: c.1262A>G, p.Glu421Gly (NM_001378303.1, NM_001440806.1); c.1244A>G, p.Glu415Gly (NM_016937.4); short protein forms E415G, E421G.
Identifiers: ClinVar variation 4738988 (VCV004738988.1).
Genomic context (GRCh38, chrX:24,724,396, plus strand): 5'-AAATTGATCTAAATACGGGGAAAGAAACAGGAACTCCAATTTCAATGAAGGATGTTTATG[A>G]GGAATTTGATGAGAAAATAGCAACAAAATATAAAATTATGAAGTTCAAGTCTAAGGTTTG-3'
Protein context (NP_001317289.1, residues 411-431): GTPISMKDVY[Glu421Gly]EFDEKIATKY